The following is an entry in ClinVar:

ClinVar aggregate classification (germline): Pathogenic/Likely pathogenic. Review status: criteria provided, multiple submitters, no conflicts (2 of 4 stars). 9 submissions from 9 submitters: Pathogenic (4); Likely pathogenic (1). 4 of the submissions do not count toward it. Last evaluated 2025-11-15.

Conditions:
Phenylketonuria (PKU). Also called: Phenylketonuria (PKU); FOLLING DISEASE; OLIGOPHRENIA PHENYLPYRUVICA; Phenylketonurias. Identifiers: Orphanet 716, MedGen C0031485, MONDO:0009861, OMIM 261600. Disease mechanism: loss of function.

Allele frequency attached by ClinVar (database versions not stated): ExAC 0.00001; gnomAD exomes below 0.00001; gnomAD 0.00002; TOPMed 0.00002; ESP Exome Variant Server 0.00008.
gnomAD v4.1: 9 of 1,613,878 alleles (0.00056%); highest among the groups gnomAD compares: East Asian, 0.0022%; no homozygotes.

Submissions (9):

Labcorp Genetics (formerly Invitae), Labcorp
Classification: Pathogenic for Phenylketonuria. Last evaluated: 2025-11-15. Review status: criteria provided, single submitter. Criteria: Invitae Variant Classification Sherloc (09022015). Collection method: clinical testing. Allele origin: germline.
Comment: This sequence change falls in intron 7 of the PAH gene. It does not directly change the encoded amino acid sequence of the PAH protein. It affects a nucleotide within the consensus splice site. This variant is present in population databases (rs62516146, gnomAD 0.01%). This variant has been observed in individuals with phenylalanine hydroxylase deficiency (PMID: 8889590, 17502162, 19609714, 23932990, 24401910). This variant is also known as IVS7+5G>A. ClinVar contains an entry for this variant (Variation ID: 102872). Variants that disrupt the consensus splice site are a relatively common cause of aberrant splicing (PMID: 17576681, 9536098). Studies have shown that this variant alters mRNA splicing and is expected to lead to the loss of protein expression (PMID: 24401910). For these reasons, this variant has been classified as Pathogenic.

Mayo Clinic Laboratories, Mayo Clinic
Classification: Pathogenic. Last evaluated: 2024-04-29. Review status: criteria provided, single submitter. Criteria: ACMG Guidelines, 2015. Collection method: clinical testing. Allele origin: germline. Observed: 1 variant allele.
Comment: PP3, PM2_moderate, PM3_very_strong

GeneDx
Classification: Pathogenic. Last evaluated: 2021-08-26. Review status: criteria provided, single submitter. Criteria: GeneDx Variant Classification Process June 2021. Collection method: clinical testing. Allele origin: germline. Affected: yes.
Comment: Non-canonical splice site variant demonstrated to result in loss-of-function (Liang et al., 2014); Expression studies found that this variant is associated with less than 1% residual enzyme activity compared to wild-type (Liang et al., 2014); Not observed at significant frequency in large population cohorts (Lek et al., 2016); This variant is associated with the following publications: (PMID: 24401910, 17935162, 27535533, 32668217, 29499199, 25466353, 8889590, 25525159)

Women's Health and Genetics/Laboratory Corporation of America, LabCorp
Classification: Pathogenic for Phenylketonuria. Last evaluated: 2020-09-24. Review status: criteria provided, single submitter. Criteria: LabCorp Variant Classification Summary - May 2015. Collection method: clinical testing. Allele origin: germline.
Comment: Variant summary: PAH c.842+5G>A alters a conserved nucleotide located close to a canonical splice site and therefore could affect mRNA splicing, leading to a significantly altered protein sequence. Several computational tools predict a significant impact on normal splicing: Four predict the variant abolishes the canonical 5' splicing donor site thereby predicting intron retention. At least one publication reports experimental evidence that this variant affects mRNA splicing by a similar mechanism (Liang_2014). The variant allele was found at a frequency of 4e-06 in 251264 control chromosomes. c.842+5G>A has been reported in the literature in individuals affected with Phenylalanine Hydroxylase Deficiency (Phenylketonuria) (example, Guldberg_1996, Dobrowlski_2007, Langenbeck_2009, Zhu_2013, Liang_2014). These data indicate that the variant is likely to be associated with disease. At least one publication reports experimental evidence evaluating an impact on protein function. The most pronounced variant effect results in an absence of normal activity in transfected COS-1 cells (Liang_2014). Two clinical diagnostic laboratories have submitted clinical-significance assessments for this variant to ClinVar after 2014 without evidence for independent evaluation. All laboratories classified the variant as pathogenic. Based on the evidence outlined above, the variant was classified as pathogenic.

Laboratory for Molecular Medicine, Mass General Brigham Personalized Medicine
Classification: Likely pathogenic for Phenylketonuria. Last evaluated: 2014-03-19. Review status: criteria provided, single submitter. Criteria: LMM Criteria. Collection method: clinical testing. Allele origin: germline. Inheritance: Autosomal recessive inheritance. Observed: 1 variant allele. Study: CSER-MedSeq.
Comment: This variant has also been identified in 1/8600 of European American chromosomes by the NHLBI Exome Sequencing Project (dbSNP rs62516146). This variant is located in the 5' splice region and is predicted to cause altered splicing leading to an abnormal or absent protein. Of note, several other variants at this splice region have been reported in individuals with PKU. In summary, this variant is likely pathogenic, though additional studies are required to fully establish its clinical significance.

Counsyl
Classification: Likely pathogenic for Phenylketonuria. Last evaluated: 2014-09-23. Review status: no assertion criteria provided. Collection method: literature only. Allele origin: unknown. Inheritance: Autosomal recessive inheritance. Not counted in ClinVar's aggregate classification.

Clinical Genetics DNA and cytogenetics Diagnostics Lab, Erasmus MC, Erasmus Medical Center
Classification: Pathogenic. Review status: no assertion criteria provided. Collection method: clinical testing. Allele origin: germline. Affected: yes. Study: VKGL Data-share Consensus. Not counted in ClinVar's aggregate classification.

DeBelle Laboratory for Biochemical Genetics, MUHC/MCH RESEARCH INSTITUTE
No classification provided. Review status: no classification provided. Collection method: not provided. Allele origin: not provided. Not counted in ClinVar's aggregate classification.

Genome Diagnostics Laboratory, University Medical Center Utrecht
Classification: Pathogenic. Review status: no assertion criteria provided. Collection method: clinical testing. Allele origin: germline. Affected: yes. Study: VKGL Data-share Consensus. Not counted in ClinVar's aggregate classification.

Literature cited by the submitters: PubMed 8889590 (cited by 3 submitters); PubMed 17502162 (cited by 4 submitters); PubMed 19609714 (cited by 3 submitters); PubMed 23932990 (cited by 4 submitters); PubMed 24401910 (cited by 4 submitters); PubMed 17576681 (cited by Labcorp Genetics (formerly Invitae), Labcorp); PubMed 9536098 (cited by Labcorp Genetics (formerly Invitae), Labcorp); PubMed 10394930 (cited by Mayo Clinic Laboratories, Mayo Clinic and Counsyl); PubMed 18294361 (cited by Mayo Clinic Laboratories, Mayo Clinic and Counsyl); PubMed 18299955 (cited by Mayo Clinic Laboratories, Mayo Clinic and Counsyl); PubMed 23430918 (cited by Mayo Clinic Laboratories, Mayo Clinic and Counsyl); PubMed 32668217 (cited by Mayo Clinic Laboratories, Mayo Clinic); PubMed 9634518 (cited by Mayo Clinic Laboratories, Mayo Clinic and Women's Health and Genetics/Laboratory Corporation of America, LabCorp).

NM_000277.3(PAH):c.842+5G>A

Gene: PAH (phenylalanine hydroxylase; minus strand). Cytogenetic location: 12q23.2.
Variant type: single nucleotide variant.
Coding change: c.842+5G>A on transcript NM_000277.3 (MANE Select); 5 bases into the intron after coding-DNA position 842, G replaced by A.
Molecular consequence: intron variant.
Genome position (GRCh38, 1-based): chr12:102,852,810, C>T on the plus strand (G>A on the coding strand, the complement: PAH is on the minus strand). VCF-style: chr12-102852810-C-T. GRCh37 (hg19) VCF-style: chr12-103246588-C-T.
Other names: c.842+5G>A (NM_001354304.2).
Identifiers: ClinVar variation 102872 (VCV000102872.20), dbSNP rs62516146, ClinGen allele CA229815.
Genomic context (GRCh38, chr12:102,852,810, plus strand): 5'-TCTTGCAGCAGGAAAAGATGGCGCTCATTGTGCCTGGCAACTGGTAGCTGGAGGACAGTA[C>T]TCACGGTTCGGGGGTATACATGGGCTTGGATCCATGTCTGATGTACTGTGTGCAGTGGAA-3'